The following is an entry in ClinVar:

NM_000059.4(BRCA2):c.6984G>C (p.Glu2328Asp)

Gene: BRCA2 (BRCA2 DNA repair associated; plus strand). Cytogenetic location: 13q13.1.
Variant type: single nucleotide variant.
Coding change: c.6984G>C on transcript NM_000059.4 (MANE Select); coding-DNA position 6984, G replaced by C.
Protein change: p.Glu2328Asp; replaces glutamic acid 2328 with aspartic acid.
Molecular consequence: missense variant. On other transcripts: non-coding transcript variant (1).
Genome position (GRCh38, 1-based): chr13:32,346,873, G>C. VCF-style: chr13-32346873-G-C. GRCh37 (hg19) VCF-style: chr13-32921010-G-C.
Other names: c.6888G>C, p.Glu2296Asp (NM_001406719.1); c.6984G>C, p.Glu2328Asp (NM_001406720.1, NM_001432077.1); c.2052G>C, p.Glu684Asp (NM_001406721.1); c.567G>C, p.Glu189Asp (NM_001406722.1); short protein forms E189D, E2296D, E2328D, E684D.
Identifiers: ClinVar variation 4856516 (VCV004856516.1).
Genomic context (GRCh38, chr13:32,346,873, plus strand): 5'-TAATTGTTTCCTAGGCACAATAAAAGATCGAAGATTGTTTATGCATCATGTTTCTTTAGA[G>C]CCGATTACCTGTGTACCCTTTCGGTAAGACATGTTTAAATTTTTCTAAATTCTAATACAG-3'
Protein context (NP_000050.3, residues 2318-2338): RRLFMHHVSL[Glu2328Asp]PITCVPFRTT

ClinVar aggregate classification (germline): Likely benign (1 of 4 stars; one submission).

Conditions:
Breast-ovarian cancer, familial, susceptibility to, 2 (BROVCA2). Also called: BRCA2 Hereditary Breast and Ovarian Cancer. Identifiers: Orphanet 145, MedGen C2675520, MONDO:0012933, OMIM 612555. Disease mechanism: loss of function.

gnomAD v4.1: 1 of 1,610,120 alleles (0.000062%); highest among the groups gnomAD compares: Non-Finnish European, 0.000085%; no homozygotes.

Submission:

Cancer Bioinformatics and Tumour Evolution Laboratory, Monash University
Classification: Likely benign for Breast-ovarian cancer, familial, susceptibility to, 2. Last evaluated: 2026-05-01. Review status: criteria provided, single submitter. Criteria: ClinGen BRCA1 and BRCA2 Guidelines, 2024. Collection method: curation. Allele origin: germline. Inheritance: Autosomal dominant inheritance.
Comment: Missense variant outside of a functional domain with no splice impact. BRCA1 and BRCA2 VCEP guidelines recommend application of BP1_Strong (PMID: 39142283)